The following is an entry in ClinVar:

ClinVar aggregate classification (germline): Benign. Review status: criteria provided, multiple submitters, no conflicts (2 of 4 stars). 2 submissions from 2 submitters: Benign (2). Last evaluated 2018-01-12.

Conditions:
Acrodysostosis 2 with or without hormone resistance. Also called: ACRODYSOSTOSIS 2 WITH HORMONE RESISTANCE; ACRODYSOSTOSIS 2 WITHOUT HORMONE RESISTANCE. Identifiers: Orphanet 280651, MedGen C3553250, MONDO:0013822, OMIM 614613.

Allele frequency attached by ClinVar (database versions not stated): gnomAD exomes 0.64218; 1000 Genomes Project 30x 0.64475; 1000 Genomes Project 0.64756; gnomAD 0.65587 and 0.65633; TOPMed 0.66519.
gnomAD v4.1: 100,152 of 152,424 alleles (66%); highest among the groups gnomAD compares: Middle Eastern, 74%; 32,988 homozygotes.

Submissions (2):

Illumina Laboratory Services, Illumina
Classification: Benign for Acrodysostosis 2 with or without hormone resistance. Last evaluated: 2018-01-12. Review status: criteria provided, single submitter. Criteria: ICSL Variant Classification Criteria 13 December 2019. Collection method: clinical testing. Allele origin: germline.
Comment: This variant was observed in the ICSL laboratory as part of a predisposition screen in an ostensibly healthy population. It had not been previously curated by ICSL or reported in the Human Gene Mutation Database (HGMD: prior to June 1st, 2018), and was therefore a candidate for classification through an automated scoring system. Utilizing variant allele frequency, disease prevalence and penetrance estimates, and inheritance mode, an automated score was calculated to assess if this variant is too frequent to cause the disease. Based on the score and internal cut-off values, a variant classified as benign is not then subjected to further curation. The score for this variant resulted in a classification of benign for this disease.

Breakthrough Genomics
Classification: Benign. Review status: criteria provided, single submitter. Criteria: ACMG Guidelines, 2015. Collection method: not provided. Allele origin: germline. Inheritance: Autosomal dominant inheritance. Affected: yes.

NM_001104631.2(PDE4D):c.*2934G>A

Gene: PDE4D (phosphodiesterase 4D; minus strand). Cytogenetic location: 5q11.2.
Variant type: single nucleotide variant.
Coding change: c.*2934G>A on transcript NM_001104631.2 (MANE Select); 2934 bases downstream of the stop codon, G replaced by A.
Molecular consequence: 3 prime UTR variant.
Genome position (GRCh38, 1-based): chr5:58,971,730, C>T on the plus strand (G>A on the coding strand, the complement: PDE4D is on the minus strand). VCF-style: chr5-58971730-C-T. GRCh37 (hg19) VCF-style: chr5-58267557-C-T.
Other names: c.*2934G>A (NM_001165899.2, NM_001197218.2, NM_001197219.2 and 11 more transcripts).
Identifiers: ClinVar variation 353936 (VCV000353936.6), dbSNP rs702530, ClinGen allele CA10624814.
Genomic context (GRCh38, chr5:58,971,730, plus strand): 5'-ACAAAATTAAAACAGCATTATTGTGTTCAGTAACTTGCAAGCTGAAATGCACTGGTTTTA[C>T]ACAAACTTGGACATTTTTTTCCCCATACAGTACCCAGATATTGCATTTTCTTATGGCATT-3'